The following is an entry in ClinVar:

NM_001085049.3(MRAS):c.177A>T (p.Gln59His)

Gene: MRAS (muscle RAS oncogene homolog; plus strand). Cytogenetic location: 3q22.3.
Variant type: single nucleotide variant.
Coding change: c.177A>T on transcript NM_001085049.3 (MANE Select); coding-DNA position 177, A replaced by T.
Protein change: p.Gln59His; replaces glutamine 59 with histidine.
Molecular consequence: missense variant. On other transcripts: intron variant (3).
Genome position (GRCh38, 1-based): chr3:138,373,060, A>T. VCF-style: chr3-138373060-A-T. GRCh37 (hg19) VCF-style: chr3-138091902-A-T.
Other names: c.177A>T, p.Gln59His (NM_001252090.2, NM_012219.4); c.-35-24264A>T (NM_001252091.1, NM_001252093.2); c.-36+24028A>T (NM_001252092.2); short protein forms Q59H.
Identifiers: ClinVar variation 4804108 (VCV004804108.1).
Genomic context (GRCh38, chr3:138,373,060, plus strand): 5'-GCCTGACTATGACCCCACCATTGAAGACTCCTACCTGAAACATACGGAGATTGACAATCA[A>T]TGGGCCATCTTGGACGGTGAGACCTGGGTGGCAGCCCTGCATTGGGTGGGATAGTAGATG-3'
Protein context (NP_001078518.1, residues 49-69): SYLKHTEIDN[Gln59His]WAILDVLDTA

ClinVar aggregate classification (germline): Uncertain significance (1 of 4 stars; one submission).

Submission:

Labcorp Genetics (formerly Invitae), Labcorp
Classification: Uncertain significance. Last evaluated: 2025-06-04. Review status: criteria provided, single submitter. Criteria: Invitae Variant Classification Sherloc (09022015). Collection method: clinical testing. Allele origin: germline.
Comment: This sequence change replaces glutamine, which is neutral and polar, with histidine, which is basic and polar, at codon 59 of the MRAS protein (p.Gln59His). This variant is not present in population databases (gnomAD no frequency). This variant has not been reported in the literature in individuals affected with MRAS-related conditions. An algorithm developed to predict the effect of missense changes on protein structure and function (PolyPhen-2) suggests that this variant is likely to be disruptive. In summary, the available evidence is currently insufficient to determine the role of this variant in disease. Therefore, it has been classified as a Variant of Uncertain Significance.